The following is an entry in ClinVar:

NM_000089.4(COL1A2):c.1251+33G>A

Gene: COL1A2 (collagen type I alpha 2 chain; plus strand). Cytogenetic location: 7q21.3.
Variant type: single nucleotide variant.
Coding change: c.1251+33G>A on transcript NM_000089.4 (MANE Select); 33 bases into the intron after coding-DNA position 1251, G replaced by A.
Molecular consequence: intron variant.
Genome position (GRCh38, 1-based): chr7:94,410,975, G>A. VCF-style: chr7-94410975-G-A. GRCh37 (hg19) VCF-style: chr7-94040287-G-A.
Identifiers: ClinVar variation 674829 (VCV000674829.2), dbSNP rs34026686, ClinGen allele CA4346969.
Genomic context (GRCh38, chr7:94,410,975, plus strand): 5'-TGGAGCTGATGGCAGAGCTGGCGTCATGGTAAGCTGTCTATCACTTACTTCCTAGAAAGG[G>A]GCTTGCTGCTTCTGGTGGTGGGTGTGTCATTAGCTTTAGCATCCTCCTCCTCTATCTGTT-3'

ClinVar aggregate classification (germline): Benign. Review status: criteria provided, multiple submitters, no conflicts (2 of 4 stars). 2 submissions from 2 submitters: Benign (2). Last evaluated 2018-06-14.

Allele frequency attached by ClinVar (database versions not stated): 1000 Genomes Project 0.15236; 1000 Genomes Project 30x 0.15865; ESP Exome Variant Server 0.16485; gnomAD 0.16727 and 0.16783; ExAC 0.17645; TOPMed 0.18193; gnomAD exomes 0.18507.
gnomAD v4.1: 303,419 of 1,612,312 alleles (19%); highest among the groups gnomAD compares: Admixed American, 33%; 30,293 homozygotes.

Submissions (2):

GeneDx
Classification: Benign. Last evaluated: 2018-06-14. Review status: criteria provided, single submitter. Criteria: GeneDx Variant Classification (06012015). Collection method: clinical testing. Allele origin: germline. Affected: yes.
Comment: This variant is considered likely benign or benign based on one or more of the following criteria: it is a conservative change, it occurs at a poorly conserved position in the protein, it is predicted to be benign by multiple in silico algorithms, and/or has population frequency not consistent with disease.

Breakthrough Genomics
Classification: Benign. Review status: criteria provided, single submitter. Criteria: ACMG Guidelines, 2015. Collection method: not provided. Allele origin: germline. Inheritance: Autosomal recessive inheritance. Affected: yes.